The following is an entry in ClinVar:

NM_019616.4(F7):c.615+1G>T

Gene: F7 (coagulation factor VII; plus strand). Cytogenetic location: 13q34.
Variant type: single nucleotide variant.
Coding change: c.615+1G>T on transcript NM_019616.4 (MANE Select); the canonical splice donor site of the intron after coding-DNA position 615, G replaced by T.
Molecular consequence: splice donor variant.
Genome position (GRCh38, 1-based): chr13:113,116,876, G>T. VCF-style: chr13-113116876-G-T. GRCh37 (hg19) VCF-style: chr13-113771190-G-T.
Other names: p.?; c.681+1G>T (NM_000131.5); c.429+1G>T (NM_001267554.2).
Identifiers: ClinVar variation 627119 (VCV000627119.5), dbSNP rs769452933, ClinGen allele CA7060022.

ClinVar aggregate classification (germline): Pathogenic/Likely pathogenic. Review status: criteria provided, multiple submitters, no conflicts (2 of 4 stars). 3 submissions from 3 submitters: Pathogenic (2); Likely pathogenic (1). Last evaluated 2024-05-09.

Conditions:
Factor VII deficiency. Also called: Factor 7 deficiency; F7 DEFICIENCY; HYPOPROCONVERTINEMIA. Identifiers: MedGen C0015503, MeSH D005168, MONDO:0002244.
Congenital factor VII deficiency. Identifiers: Orphanet 327, MedGen C0272320, MONDO:0009211, OMIM 227500.

Allele frequency attached by ClinVar (database versions not stated): gnomAD exomes below 0.00001 and 0.00002; gnomAD 0.00001; TOPMed 0.00001; ExAC 0.00005.
gnomAD v4.1: 6 of 1,610,436 alleles (0.00037%); highest among the groups gnomAD compares: East Asian, 0.013%; no homozygotes.

Submissions (3):

Mayo Clinic Laboratories, Mayo Clinic
Classification: Pathogenic. Last evaluated: 2024-05-09. Review status: criteria provided, single submitter. Criteria: ACMG Guidelines, 2015. Collection method: clinical testing. Allele origin: germline.
Comment: PM2_moderate, PM3_strong, PS3, PVS1_moderate

NIHR Bioresource Rare Diseases, University of Cambridge
Classification: Likely pathogenic for Congenital factor VII deficiency. Last evaluated: 2019-02-01. Review status: criteria provided, single submitter. Criteria: ACMG Guidelines, 2015. Collection method: research. Allele origin: unknown. Affected: yes. Observed: 1 compound heterozygote. Study: ThromboGenomics.

Juno Genomics, Hangzhou Juno Genomics, Inc
Classification: Pathogenic for Congenital factor VII deficiency. Review status: criteria provided, single submitter. Criteria: ACMG Guidelines, 2015. Collection method: clinical testing. Allele origin: germline. Affected: yes.
Comment: Absent from controls (or at extremely low frequency if recessive) in Genome Aggregation Database, Exome Sequencing Project, 1000 Genomes Project, or Exome Aggregation Consortium.;Null variant in a gene where loss of function (LOF) is a known mechanism of disease.;For recessive disorders, detected in trans with a pathogenic variant.;Patient's phenotype or family history is highly specific for a disease with a single genetic etiology.

Literature cited by the submitters: PubMed 10959697 (cited by Mayo Clinic Laboratories, Mayo Clinic); PubMed 11260055 (cited by Mayo Clinic Laboratories, Mayo Clinic); PubMed 22426302 (cited by Mayo Clinic Laboratories, Mayo Clinic); PubMed 25525159 (cited by Mayo Clinic Laboratories, Mayo Clinic); PubMed 28684918 (cited by Mayo Clinic Laboratories, Mayo Clinic); PubMed 31577732 (cited by Mayo Clinic Laboratories, Mayo Clinic); PubMed 34722427 (cited by Mayo Clinic Laboratories, Mayo Clinic); PubMed 31064749 (cited by NIHR Bioresource Rare Diseases, University of Cambridge).